The following is an entry in ClinVar:

NM_080680.3(COL11A2):c.4951G>T (p.Val1651Phe)

Gene: COL11A2 (collagen type XI alpha 2 chain; minus strand). Cytogenetic location: 6p21.32.
Variant type: single nucleotide variant.
Coding change: c.4951G>T on transcript NM_080680.3 (MANE Select); coding-DNA position 4951, G replaced by T.
Protein change: p.Val1651Phe; replaces valine 1651 with phenylalanine.
Molecular consequence: missense variant.
Genome position (GRCh38, 1-based): chr6:33,164,386, C>A on the plus strand (G>T on the coding strand, the complement: COL11A2 is on the minus strand). VCF-style: chr6-33164386-C-A. GRCh37 (hg19) VCF-style: chr6-33132163-C-A.
Other names: c.4951G>T (NM_080680.2); c.4630G>T, p.Val1544Phe (NM_080679.3); c.4693G>T, p.Val1565Phe (NM_080681.3); short protein forms V1565F, V1651F, V1544F.
Identifiers: ClinVar variation 1371300 (VCV001371300.8), dbSNP rs766589324, ClinGen allele CA363616281.

ClinVar aggregate classification (germline): Uncertain significance. Review status: criteria provided, multiple submitters, no conflicts (2 of 4 stars). 2 submissions from 2 submitters: Uncertain significance (2). Last evaluated 2023-08-22.

Conditions:
Inborn genetic diseases. Identifiers: MedGen C0950123, MeSH D030342.

gnomAD v4.1: 1 of 1,610,378 alleles (0.000062%); no homozygotes.

Submissions (2):

Ambry Genetics
Classification: Uncertain significance for Inborn genetic diseases. Last evaluated: 2023-08-22. Review status: criteria provided, single submitter. Criteria: Ambry Variant Classification Scheme 2023. Collection method: clinical testing. Allele origin: germline.

Labcorp Genetics (formerly Invitae), Labcorp
Classification: Uncertain significance. Last evaluated: 2022-10-05. Review status: criteria provided, single submitter. Criteria: Invitae Variant Classification Sherloc (09022015). Collection method: clinical testing. Allele origin: germline.
Comment: In summary, the available evidence is currently insufficient to determine the role of this variant in disease. Therefore, it has been classified as a Variant of Uncertain Significance. Advanced modeling of protein sequence and biophysical properties (such as structural, functional, and spatial information, amino acid conservation, physicochemical variation, residue mobility, and thermodynamic stability) performed at Invitae indicates that this missense variant is not expected to disrupt COL11A2 protein function. ClinVar contains an entry for this variant (Variation ID: 1371300). This variant has not been reported in the literature in individuals affected with COL11A2-related conditions. This variant is not present in population databases (gnomAD no frequency). This sequence change replaces valine, which is neutral and non-polar, with phenylalanine, which is neutral and non-polar, at codon 1651 of the COL11A2 protein (p.Val1651Phe).